The following is an entry in ClinVar:

NM_012213.3(MLYCD):c.796dup (p.Gln266fs)

Gene: MLYCD (malonyl-CoA decarboxylase; plus strand). Cytogenetic location: 16q23.3.
Variant type: Duplication.
Coding change: c.796dup on transcript NM_012213.3 (MANE Select); coding-DNA position 796, one base duplicated (C; older notation c.796dupC).
Protein change: p.Gln266fs; shifts the reading frame from glutamine 266.
Molecular consequence: frameshift variant.
Genome position (GRCh38, 1-based): chr16:83,908,280, C duplicated; the last of 2 consecutive C bases (chr16:83,908,279-83,908,280); duplicating either gives the same sequence. VCF-style (leftmost placement, unchanged base first): chr16-83908278-T-TC. GRCh37 (hg19) VCF-style: chr16-83941883-T-TC.
Other names: short protein forms Q266fs.
Identifiers: ClinVar variation 2849603 (VCV002849603.3), dbSNP rs2507382391, ClinGen allele CA2739266904.

ClinVar aggregate classification (germline): Pathogenic (1 of 4 stars; one submission).

Conditions:
Deficiency of malonyl-CoA decarboxylase. Also called: Malonic aciduria; MCD deficiency. Identifiers: Orphanet 943, MedGen C0342793, MONDO:0009556, OMIM 248360.

Submission:

Labcorp Genetics (formerly Invitae), Labcorp
Classification: Pathogenic for Deficiency of malonyl-CoA decarboxylase. Last evaluated: 2023-03-26. Review status: criteria provided, single submitter. Criteria: Invitae Variant Classification Sherloc (09022015). Collection method: clinical testing. Allele origin: germline.
Comment: For these reasons, this variant has been classified as Pathogenic. This sequence change creates a premature translational stop signal (p.Gln266Profs*88) in the MLYCD gene. While this is not anticipated to result in nonsense mediated decay, it is expected to disrupt the last 228 amino acid(s) of the MLYCD protein. This variant is not present in population databases (gnomAD no frequency). This variant has not been reported in the literature in individuals affected with MLYCD-related conditions. This variant disrupts a region of the MLYCD protein in which other variant(s) (p.Trp384_Gln386del ) have been determined to be pathogenic (PMID: 12955715). This suggests that this is a clinically significant region of the protein, and that variants that disrupt it are likely to be disease-causing.

Literature cited by the submitters: PubMed 12955715.